The following is an entry in ClinVar:

NM_006796.3(AFG3L2):c.114+12C>T

Gene: AFG3L2 (AFG3 like matrix AAA peptidase subunit 2; minus strand). Cytogenetic location: 18p11.21.
Variant type: single nucleotide variant.
Coding change: c.114+12C>T on transcript NM_006796.3 (MANE Select); 12 bases into the intron after coding-DNA position 114, C replaced by T.
Molecular consequence: intron variant.
Genome position (GRCh38, 1-based): chr18:12,376,957, G>A on the plus strand (C>T on the coding strand, the complement: AFG3L2 is on the minus strand). VCF-style: chr18-12376957-G-A. GRCh37 (hg19) VCF-style: chr18-12376956-G-A.
Identifiers: ClinVar variation 326113 (VCV000326113.10), dbSNP rs758470020, ClinGen allele CA8896854.

ClinVar aggregate classification (germline): Conflicting classifications of pathogenicity. Review status: criteria provided, conflicting classifications (1 of 4 stars). 4 submissions from 4 submitters: Uncertain significance (1); Benign (1); Likely benign (2). Last evaluated 2025-12-19.

Conditions:
Spinocerebellar ataxia type 28 (SCA28). Also called: Spinocerebellar Ataxia Type 28 (SCA28). Identifiers: Orphanet 101109, MedGen C1853249, MONDO:0012450, OMIM 610246.

Allele frequency attached by ClinVar (database versions not stated): ExAC below 0.00001; gnomAD exomes 0.00008 and 0.00011; gnomAD 0.00117 and 0.00124; TOPMed 0.00142.
gnomAD v4.1: 285 of 1,449,450 alleles (0.02%); highest among the groups gnomAD compares: African/African-American, 0.37%; 2 homozygotes.

Submissions (4):

Labcorp Genetics (formerly Invitae), Labcorp
Classification: Benign. Last evaluated: 2025-12-19. Review status: criteria provided, single submitter. Criteria: Invitae Variant Classification Sherloc (09022015). Collection method: clinical testing. Allele origin: germline.

Blueprint Genetics
Classification: Likely benign. Last evaluated: 2024-11-01. Review status: criteria provided, single submitter. Criteria: ACMG Guidelines, 2015. Collection method: clinical testing. Allele origin: germline.

Illumina Laboratory Services, Illumina
Classification: Uncertain significance for Spinocerebellar ataxia type 28. Last evaluated: 2018-01-13. Review status: criteria provided, single submitter. Criteria: ICSL Variant Classification Criteria 13 December 2019. Collection method: clinical testing. Allele origin: germline.

GeneDx
Classification: Likely benign. Last evaluated: 2016-02-15. Review status: criteria provided, single submitter. Criteria: GeneDx Variant Classification (06012015). Collection method: clinical testing. Allele origin: germline. Affected: yes.
Comment: This variant is considered likely benign or benign based on one or more of the following criteria: it is a conservative change, it occurs at a poorly conserved position in the protein, it is predicted to be benign by multiple in silico algorithms, and/or has population frequency not consistent with disease.